The following is an entry in ClinVar:

NM_000195.5(HPS1):c.399-2A>G

Gene: HPS1 (HPS1 biogenesis of lysosomal organelles complex 3 subunit 1; minus strand). Cytogenetic location: 10q24.2.
Variant type: single nucleotide variant.
Coding change: c.399-2A>G on transcript NM_000195.5 (MANE Select); the canonical splice acceptor site of the intron before coding-DNA position 399, A replaced by G.
Molecular consequence: splice acceptor variant.
Genome position (GRCh38, 1-based): chr10:98,434,093, T>C on the plus strand (A>G on the coding strand, the complement: HPS1 is on the minus strand). VCF-style: chr10-98434093-T-C. GRCh37 (hg19) VCF-style: chr10-100193850-T-C.
Other names: c.399-2A>G (NM_000195.4, NM_001322478.2, NM_001322476.2 and 6 more transcripts); c.30-2A>G (NM_001322483.2, NM_001322485.2, NM_001322484.2); c.256-2A>G (NM_001322480.2, NM_001322482.2, NM_001322481.2); c.-518-2A>G (NM_001322489.2, NM_001311345.2); c.-617-2A>G (NM_001322487.2).
Identifiers: ClinVar variation 2802510 (VCV002802510.5), dbSNP rs2538968247, ClinGen allele CA378054073.

ClinVar aggregate classification (germline): Pathogenic/Likely pathogenic. Review status: criteria provided, multiple submitters, no conflicts (2 of 4 stars). 3 submissions from 3 submitters: Pathogenic (1); Likely pathogenic (2). Last evaluated 2025-01-01.

Conditions:
Hermansky-Pudlak syndrome (HPS). Also called: ALBINISM WITH HEMORRHAGIC DIATHESIS AND PIGMENTED RETICULOENDOTHELIAL CELLS. Identifiers: Orphanet 79430, MedGen C0079504, MONDO:0019312.
Hermansky-Pudlak syndrome 1 (HPS1). Also called: DELTA STORAGE POOL DISEASE. Identifiers: Orphanet 231500, Orphanet 79430, MedGen C2931875, MONDO:0008748, OMIM 203300.

Submissions (3):

Laboratory of Genetic Epidemiology, Research Centre for Medical Genetics
Classification: Pathogenic for Hermansky-Pudlak syndrome 1. Last evaluated: 2025-01-01. Review status: criteria provided, single submitter. Criteria: ACMG Guidelines, 2015. Collection method: clinical testing. Allele origin: unknown. Inheritance: Autosomal recessive inheritance. Affected: yes. Observed: 1 heterozygote.
Comment: The variant leads to affect acceptor splicing site (acceptor loss with score 0.99 by SpliceAi predictor). This variant has not been previously reported in the literature and is not listed in gnomAD v3.1.2. We assume that this variant is highly likely to be in trans state with pathogenic variant NM_000195.5:c.1189delС, p.(Gln397Serfs*2) in proband; therefore, based on the literature (PMID: 30311386), we apply the ACMG pathogenic criterion PM3 Supporting. Taken together, the variant meets the following ACMG/AMP criteria and can be classified as pathogenic with PM2, PVS1, PM3, PP4 criteria.

Natera, Inc.
Classification: Likely pathogenic for Hermansky-Pudlak syndrome. Last evaluated: 2024-06-18. Review status: criteria provided, single submitter. Criteria: Natera Variant Classification Schema (03/2026). Collection method: clinical testing. Allele origin: germline.
Comment: The c.399-2A>G variant in HPS1 is a canonical splice acceptor site variant predicted to affect pre-mRNA splicing, which may result in an abnormal transcript and altered protein product. This variant is expected to result in nonsense mediated decay, truncation, or a dysfunctional protein product. This variant is rare in the general population with a frequency below the threshold expected for the associated phenotype(s). Given the available evidence, this variant is classified as Likely Pathogenic.

Labcorp Genetics (formerly Invitae), Labcorp
Classification: Likely pathogenic. Last evaluated: 2023-07-14. Review status: criteria provided, single submitter. Criteria: Invitae Variant Classification Sherloc (09022015). Collection method: clinical testing. Allele origin: germline.
Comment: In summary, the currently available evidence indicates that the variant is pathogenic, but additional data are needed to prove that conclusively. Therefore, this variant has been classified as Likely Pathogenic. Algorithms developed to predict the effect of sequence changes on RNA splicing suggest that this variant may disrupt the consensus splice site. This variant has not been reported in the literature in individuals affected with HPS1-related conditions. This variant is not present in population databases (gnomAD no frequency). This sequence change affects an acceptor splice site in intron 5 of the HPS1 gene. It is expected to disrupt RNA splicing. Variants that disrupt the donor or acceptor splice site typically lead to a loss of protein function (PMID: 16199547), and loss-of-function variants in HPS1 are known to be pathogenic (PMID: 12442288, 16185271).

Literature cited by the submitters: PubMed 41428507 (cited by Laboratory of Genetic Epidemiology, Research Centre for Medical Genetics); PubMed 16199547 (cited by Labcorp Genetics (formerly Invitae), Labcorp); PubMed 12442288 (cited by Labcorp Genetics (formerly Invitae), Labcorp); PubMed 16185271 (cited by Labcorp Genetics (formerly Invitae), Labcorp).